The following is an entry in ClinVar:

NM_000059.4(BRCA2):c.2029T>G (p.Ser677Ala)

Gene: BRCA2 (BRCA2 DNA repair associated; plus strand). Cytogenetic location: 13q13.1.
Variant type: single nucleotide variant.
Coding change: c.2029T>G on transcript NM_000059.4 (MANE Select); coding-DNA position 2029, T replaced by G.
Protein change: p.Ser677Ala; replaces serine 677 with alanine.
Molecular consequence: missense variant.
Genome position (GRCh38, 1-based): chr13:32,336,384, T>G. VCF-style: chr13-32336384-T-G. GRCh37 (hg19) VCF-style: chr13-32910521-T-G.
Other names: short protein forms S677A.
Identifiers: ClinVar variation 230711 (VCV000230711.8), dbSNP rs876658723, ClinGen allele CA10579519.

ClinVar aggregate classification (germline): Conflicting classifications of pathogenicity. Review status: criteria provided, conflicting classifications (1 of 4 stars). 3 submissions from 3 submitters: Uncertain significance (2); Likely benign (1). Last evaluated 2025-09-09.

Conditions:
Hereditary cancer-predisposing syndrome. Also called: Neoplastic Syndromes, Hereditary; Tumor predisposition; Hereditary Cancer Syndrome; Hereditary neoplastic syndrome. Identifiers: Orphanet 140162, MedGen C0027672, MeSH D009386, MONDO:0015356.

Submissions (3):

Color Diagnostics, LLC DBA Color Health
Classification: Uncertain significance for Hereditary cancer-predisposing syndrome. Last evaluated: 2025-09-09. Review status: criteria provided, single submitter. Criteria: ACMG Guidelines, 2015. Collection method: clinical testing. Allele origin: germline.
Comment: This missense variant replaces serine with alanine at codon 677 of the BRCA2 protein. Computational prediction suggests that this variant may not impact protein structure and function. To our knowledge, functional studies have not been reported for this variant. A multifactorial analysis has reached a combined likelihood ratio (LR) of 0.825 based on reported LR for co-occurrence with a pathogenic variant and personal and family history for 1 carrier. (PMID: 31853058). This variant has not been identified in the general population by the Genome Aggregation Database (gnomAD). The available evidence is insufficient to determine the role of this variant in disease conclusively. Therefore, this variant is classified as a Variant of Uncertain Significance.

University of Washington Department of Laboratory Medicine, University of Washington
Classification: Likely benign for Hereditary cancer-predisposing syndrome. Last evaluated: 2023-03-23. Review status: criteria provided, single submitter. Criteria: Dines et al. (Genet Med. 2020). Collection method: curation. Allele origin: germline.
Comment: Missense variant in a coldspot region where missense variants are very unlikely to be pathogenic (PMID:31911673).

BRCA2 exon 11 coldspot. Reclassification based on statistical prior probability.

Ambry Genetics
Classification: Uncertain significance for Hereditary cancer-predisposing syndrome. Last evaluated: 2015-03-04. Review status: criteria provided, single submitter. Criteria: Ambry Variant Classification Scheme 2023. Collection method: clinical testing. Allele origin: germline.
Comment: The p.S677A variant (also known as c.2029T>G and 2257T>G), located in coding exon 10 of the BRCA2 gene, results from a T to G substitution at nucleotide position 2029. The serine at codon 677 is replaced by alanine, an amino acid with similar properties. This variant was not reported in population based cohorts in the following databases: Database of Single Nucleotide Polymorphisms (dbSNP), NHLBI Exome Sequencing Project (ESP), and 1000 Genomes Project. In the ESP, this variant was not observed in 6503 samples (13006 alleles) with coverage at this position. To date, this alteration has been detected with an allele frequency of approximately 0.001% (greater than 105000 alleles tested) in our clinical cohort. This amino acid position is poorly conserved in available vertebrate species. In addition, this alteration is predicted to be tolerated by in silico analysis. Since supporting evidence is limited at this time, the clinical significance of p.S677A remains unclear.

Literature cited by the submitters: PubMed 31853058 (cited by Color Diagnostics, LLC DBA Color Health).